The following is an entry in ClinVar:

ClinVar aggregate classification (germline): Uncertain significance (1 of 4 stars; one submission).

Conditions:
Cardiovascular phenotype. Identifiers: MedGen CN230736.

Submission:

Ambry Genetics
Classification: Uncertain significance for Cardiovascular phenotype. Last evaluated: 2025-01-10. Review status: criteria provided, single submitter. Criteria: Ambry Variant Classification Scheme 2023. Collection method: clinical testing. Allele origin: germline.
Comment: The p.I508T variant (also known as c.1523T>C), located in coding exon 11 of the ABCG8 gene, results from a T to C substitution at nucleotide position 1523. The isoleucine at codon 508 is replaced by threonine, an amino acid with similar properties. This amino acid position is conserved. In addition, this alteration is predicted to be tolerated by in silico analysis. Based on the available evidence, the clinical significance of this variant remains unclear.

NM_022437.3(ABCG8):c.1523T>C (p.Ile508Thr)

Gene: ABCG8 (ATP binding cassette subfamily G member 8; plus strand). Cytogenetic location: 2p21.
Variant type: single nucleotide variant.
Coding change: c.1523T>C on transcript NM_022437.3 (MANE Select); coding-DNA position 1523, T replaced by C.
Protein change: p.Ile508Thr; replaces isoleucine 508 with threonine.
Molecular consequence: missense variant.
Genome position (GRCh38, 1-based): chr2:43,875,180, T>C. VCF-style: chr2-43875180-T-C. GRCh37 (hg19) VCF-style: chr2-44102319-T-C.
Other names: c.1520T>C, p.Ile507Thr (NM_001357321.2); short protein forms I508T, I507T.
Identifiers: ClinVar variation 3889805 (VCV003889805.1).